The following is an entry in ClinVar:

NM_201253.3(CRB1):c.3913C>G (p.Pro1305Ala)

Gene: CRB1 (crumbs cell polarity complex component 1; plus strand). Cytogenetic location: 1q31.3.
Variant type: single nucleotide variant.
Coding change: c.3913C>G on transcript NM_201253.3 (MANE Select); coding-DNA position 3913, C replaced by G.
Protein change: p.Pro1305Ala; replaces proline 1305 with alanine.
Molecular consequence: missense variant. On other transcripts: non-coding transcript variant (2).
Genome position (GRCh38, 1-based): chr1:197,442,200, C>G. VCF-style: chr1-197442200-C-G. GRCh37 (hg19) VCF-style: chr1-197411330-C-G.
Other names: c.3577C>G, p.Pro1193Ala (NM_001193640.2); c.3841C>G, p.Pro1281Ala (NM_001257965.2); c.2305C>G, p.Pro769Ala (NM_001257966.2); short protein forms P769A, P1193A, P1281A, P1305A.
Identifiers: ClinVar variation 1951360 (VCV001951360.5), dbSNP rs2528243703, ClinGen allele CA344052509.

ClinVar aggregate classification (germline): Likely pathogenic (1 of 4 stars; one submission).

Conditions:
Retinitis pigmentosa 12 (RP12). Also called: RP WITH OR WITHOUT PRESERVED PARAARTERIOLE RETINAL PIGMENT EPITHELIUM; RETINITIS PIGMENTOSA WITH OR WITHOUT PARAARTERIOLAR PRESERVATION OF RETINAL PIGMENT EPITHELIUM; RP WITH OR WITHOUT PPRPE. Identifiers: Orphanet 791, MedGen C1838647, MONDO:0010818, OMIM 600105.
Leber congenital amaurosis 8 (LCA8). Identifiers: Orphanet 65, MedGen C3151202, MONDO:0013453, OMIM 613835.

Submission:

Labcorp Genetics (formerly Invitae), Labcorp
Classification: Likely pathogenic for Leber congenital amaurosis 8; Retinitis pigmentosa 12. Last evaluated: 2022-11-01. Review status: criteria provided, single submitter. Criteria: Invitae Variant Classification Sherloc (09022015). Collection method: clinical testing. Allele origin: germline.
Comment: In summary, the currently available evidence indicates that the variant is pathogenic, but additional data are needed to prove that conclusively. Therefore, this variant has been classified as Likely Pathogenic. This variant disrupts the p.Pro1305 amino acid residue in CRB1. Other variant(s) that disrupt this residue have been determined to be pathogenic (PMID: 22128245, 33342761; Invitae). This suggests that this residue is clinically significant, and that variants that disrupt this residue are likely to be disease-causing. Advanced modeling of protein sequence and biophysical properties (such as structural, functional, and spatial information, amino acid conservation, physicochemical variation, residue mobility, and thermodynamic stability) performed at Invitae indicates that this missense variant is expected to disrupt CRB1 protein function. This variant has not been reported in the literature in individuals affected with CRB1-related conditions. This variant is not present in population databases (gnomAD no frequency). This sequence change replaces proline, which is neutral and non-polar, with alanine, which is neutral and non-polar, at codon 1305 of the CRB1 protein (p.Pro1305Ala).

Literature cited by the submitters: PubMed 22128245; PubMed 33342761.